The following is an entry in ClinVar:

ClinVar aggregate classification (germline): Uncertain significance. Review status: criteria provided, multiple submitters, no conflicts (2 of 4 stars). 2 submissions from 2 submitters: Uncertain significance (2). Last evaluated 2024-12-10.

Conditions:
Tumor predisposition syndrome 3 (TPDS3). Also called: Melanoma, cutaneous malignant, susceptibility to, 10; Glioma susceptibility 9; LONG TELOMERE SYNDROME, POT1-RELATED; POT1 Tumor Predisposition. Identifiers: Orphanet 618, MedGen C4014476, MONDO:0014368, OMIM 615848.
Hereditary cancer-predisposing syndrome. Also called: Tumor predisposition; Hereditary Cancer Syndrome; Hereditary neoplastic syndrome; Neoplastic Syndromes, Hereditary. Identifiers: Orphanet 140162, MedGen C0027672, MeSH D009386, MONDO:0015356.

gnomAD v4.1: 1 of 1,591,348 alleles (0.000063%); highest among the groups gnomAD compares: Non-Finnish European, 0.000086%; no homozygotes.

Submissions (2):

Labcorp Genetics (formerly Invitae), Labcorp
Classification: Uncertain significance for Tumor predisposition syndrome 3. Last evaluated: 2024-12-10. Review status: criteria provided, single submitter. Criteria: Invitae Variant Classification Sherloc (09022015). Collection method: clinical testing. Allele origin: germline.
Comment: This sequence change replaces isoleucine, which is neutral and non-polar, with leucine, which is neutral and non-polar, at codon 241 of the POT1 protein (p.Ile241Leu). This variant is not present in population databases (gnomAD no frequency). This variant has not been reported in the literature in individuals affected with POT1-related conditions. Invitae Evidence Modeling of protein sequence and biophysical properties (such as structural, functional, and spatial information, amino acid conservation, physicochemical variation, residue mobility, and thermodynamic stability) indicates that this missense variant is not expected to disrupt POT1 protein function with a negative predictive value of 80%. In summary, the available evidence is currently insufficient to determine the role of this variant in disease. Therefore, it has been classified as a Variant of Uncertain Significance.

Ambry Genetics
Classification: Uncertain significance for Hereditary cancer-predisposing syndrome. Last evaluated: 2024-11-30. Review status: criteria provided, single submitter. Criteria: Ambry Variant Classification Scheme 2023. Collection method: clinical testing. Allele origin: germline.
Comment: The p.I241L variant (also known as c.721A>C), located in coding exon 6 of the POT1 gene, results from an A to C substitution at nucleotide position 721. The isoleucine at codon 241 is replaced by leucine, an amino acid with highly similar properties. This amino acid position is conserved. In addition, this alteration is predicted to be tolerated by in silico analysis. Based on the available evidence, the clinical significance of this variant remains unclear.

NM_015450.3(POT1):c.721A>C (p.Ile241Leu)

Gene: POT1 (protection of telomeres 1; minus strand). Cytogenetic location: 7q31.33.
Variant type: single nucleotide variant.
Coding change: c.721A>C on transcript NM_015450.3 (MANE Select); coding-DNA position 721, A replaced by C.
Protein change: p.Ile241Leu; replaces isoleucine 241 with leucine.
Molecular consequence: missense variant. On other transcripts: non-coding transcript variant (3).
Genome position (GRCh38, 1-based): chr7:124,853,120, T>G on the plus strand (A>C on the coding strand, the complement: POT1 is on the minus strand). VCF-style: chr7-124853120-T-G. GRCh37 (hg19) VCF-style: chr7-124493174-T-G.
Other names: c.328A>C, p.Ile110Leu (NM_001042594.2); short protein forms I241L, I110L.
Identifiers: ClinVar variation 3423152 (VCV003423152.3).
Genomic context (GRCh38, chr7:124,853,120, plus strand): 5'-AACTTAACATTGTCTGATTCTCTGAATTCATTGATTGAAGTTTGGTATGAAGGCTATAGA[T>G]TCTAAGAAAGCTTCCAACCTAAAAAATAGATCATTTGTTATTTAGAAAGTGGGGAAAAAT-3'
Protein context (NP_056265.2, residues 231-251): RSLKVGSFLR[Ile241Leu]YSLHTKLQSM